The following is an entry in ClinVar:

NM_001267550.2(TTN):c.98203A>G (p.Ile32735Val)

Genes: TTN (titin; minus strand), TTN-AS1 (TTN antisense RNA 1; plus strand). Cytogenetic location: 2q31.2.
Variant type: single nucleotide variant.
Coding change: c.98203A>G on transcript NM_001267550.2 (MANE Select); coding-DNA position 98203, A replaced by G.
Protein change: p.Ile32735Val; replaces isoleucine 32735 with valine.
Molecular consequence: missense variant. On other transcripts: non-coding transcript variant (1).
Genome position (GRCh38, 1-based): chr2:178,539,862, T>C on the plus strand (A>G on the coding strand, the complement: TTN is on the minus strand). VCF-style: chr2-178539862-T-C. GRCh37 (hg19) VCF-style: chr2-179404589-T-C.
Other names: c.93280A>G, p.Ile31094Val (NM_001256850.1); c.71008A>G, p.Ile23670Val (NM_003319.4); c.71383A>G, p.Ile23795Val (NM_133432.3); c.71584A>G, p.Ile23862Val (NM_133437.4); c.90499A>G, p.Ile30167Val (NM_133378.4); short protein forms I30167V, I32735V, I31094V, I23862V, I23795V, I23670V.
Identifiers: ClinVar variation 228171 (VCV000228171.9), dbSNP rs761246331, ClinGen allele CA1986413.

ClinVar aggregate classification (germline): Conflicting classifications of pathogenicity. Review status: criteria provided, conflicting classifications (1 of 4 stars). 3 submissions from 3 submitters: Uncertain significance (1); Likely benign (2). Last evaluated 2025-09-12.

Conditions:
TTN-related disorder. Also called: TTN-related disorders; TTN-related condition; TTN-related disease.

Allele frequency attached by ClinVar (database versions not stated): gnomAD exomes 0.00001 and 0.00003; ExAC 0.00002; gnomAD 0.00009; TOPMed 0.00011.
gnomAD v4.1: 31 of 1,613,678 alleles (0.0019%); highest among the groups gnomAD compares: African/African-American, 0.029%; no homozygotes.

Submissions (3):

PreventionGenetics, part of Exact Sciences
Classification: Uncertain significance for TTN-related condition. Last evaluated: 2025-09-12. Review status: criteria provided, single submitter. Criteria: ACMG Guidelines, 2015. Collection method: clinical testing. Allele origin: germline.
Comment: The TTN c.98203A>G variant is predicted to result in the amino acid substitution p.Ile32735Val. To our knowledge, this variant has not been reported in the literature. This variant is reported in 0.025% of alleles in individuals of African descent in gnomAD. At this time, the clinical significance of this variant is uncertain due to the absence of conclusive functional and genetic evidence.

Revvity Omics, Revvity
Classification: Likely benign. Last evaluated: 2023-12-22. Review status: criteria provided, single submitter. Criteria: ACMG Guidelines, 2015. Collection method: clinical testing. Allele origin: germline.

Laboratory for Molecular Medicine, Mass General Brigham Personalized Medicine
Classification: Likely benign. Last evaluated: 2015-10-22. Review status: criteria provided, single submitter. Criteria: LMM Criteria. Collection method: clinical testing. Allele origin: germline. Observed: 1 variant allele.
Comment: p.Ile30167Val in exon 301 of TTN: This variant is not expected to have clinical significance due to a lack of conservation across species, including mammals. Of note, 4 mammals (mouse, elephant, cape elephant shrew and manatee) have a valin e (Val) at this position despite high nearby amino acid conservation. In additio n, computational prediction tools do not suggest a high likelihood of impact to the protein. It has been identified in 2/11534 of Latino chromosomes and 1/9804 African chromosomes by the Exome Aggregation Consortium (ExAC).